The following is an entry in ClinVar:

ClinVar aggregate classification (germline): Benign. Review status: criteria provided, multiple submitters, no conflicts (2 of 4 stars). 3 submissions from 3 submitters: Benign (3). Last evaluated 2022-04-11.

Conditions:
Sialuria. Also called: SIALURIA, FRENCH TYPE; Sialic Acid Storage Disease. Identifiers: Orphanet 3166, MedGen C0342853, MONDO:0010028, OMIM 269921.

Allele frequency attached by ClinVar (database versions not stated): 1000 Genomes Project 0.13359; 1000 Genomes Project 30x 0.13367; TOPMed 0.16363; gnomAD 0.16953 and 0.17302.

Submissions (3):

GeneDx
Classification: Benign. Last evaluated: 2022-04-11. Review status: criteria provided, single submitter. Criteria: GeneDx Variant Classification Process June 2021. Collection method: clinical testing. Allele origin: germline. Affected: yes.

Illumina Laboratory Services, Illumina
Classification: Benign for Sialuria. Last evaluated: 2018-01-12. Review status: criteria provided, single submitter. Criteria: ICSL Variant Classification Criteria 13 December 2019. Collection method: clinical testing. Allele origin: germline.
Comment: This variant was observed in the ICSL laboratory as part of a predisposition screen in an ostensibly healthy population. It had not been previously curated by ICSL or reported in the Human Gene Mutation Database (HGMD: prior to June 1st, 2018), and was therefore a candidate for classification through an automated scoring system. Utilizing variant allele frequency, disease prevalence and penetrance estimates, and inheritance mode, an automated score was calculated to assess if this variant is too frequent to cause the disease. Based on the score and internal cut-off values, a variant classified as benign is not then subjected to further curation. The score for this variant resulted in a classification of benign for this disease.

Breakthrough Genomics
Classification: Benign. Review status: criteria provided, single submitter. Criteria: ACMG Guidelines, 2015. Collection method: not provided. Allele origin: germline. Inheritance: Autosomal recessive inheritance. Affected: yes.

NM_005476.7(GNE):c.*1781G>A

Gene: GNE (glucosamine (UDP-N-acetyl)-2-epimerase/N-acetylmannosamine kinase; minus strand). Cytogenetic location: 9p13.3.
Variant type: single nucleotide variant.
Coding change: c.*1781G>A on transcript NM_005476.7 (MANE Select); 1781 bases downstream of the stop codon, G replaced by A.
Molecular consequence: 3 prime UTR variant.
Genome position (GRCh38, 1-based): chr9:36,215,584, C>T on the plus strand (G>A on the coding strand, the complement: GNE is on the minus strand). VCF-style: chr9-36215584-C-T. GRCh37 (hg19) VCF-style: chr9-36215581-C-T.
Other names: c.*1781G>A (NM_001128227.3, NM_001190383.3, NM_001190384.3 and 3 more transcripts).
Identifiers: ClinVar variation 366811 (VCV000366811.8), dbSNP rs16933086, ClinGen allele CA10633994.
Genomic context (GRCh38, chr9:36,215,584, plus strand): 5'-TCAGCAGCAAAAGCACAGAGGGACCTGGGATCAAACCCTCTCTCTAGCCCCATAGCTTAA[C>T]AGTCAAACACACCAAGTTCTATAAAATAAAAATTAAAACACCTACCTCATATGTTGAGAT-3'